The following is an entry in ClinVar:

ClinVar aggregate classification (germline): Uncertain significance (1 of 4 stars; one submission).

Allele frequency attached by ClinVar (database versions not stated): TOPMed 0.00005; gnomAD 0.00006.

Submission:

Ambry Genetics
Classification: Uncertain significance. Last evaluated: 2026-05-05. Review status: criteria provided, single submitter. Criteria: Ambry Variant Classification Scheme 2023. Collection method: clinical testing. Allele origin: germline.
Comment: The c.2954C>T (p.P985L) alteration is located in exon 14 (coding exon 14) of the SSC5D gene. This alteration results from a C to T substitution at nucleotide position 2954, causing the proline (P) at amino acid position 985 to be replaced by a leucine (L). Based on data from gnomAD, the T allele has an overall frequency of 0.004% (6/167542) total alleles studied. The highest observed frequency was 0.009% (6/67734) of European (non-Finnish) alleles. Based on insufficient or conflicting evidence, the clinical significance of this alteration remains unclear.

NM_001144950.2(SSC5D):c.2954C>T (p.Pro985Leu)

Gene: SSC5D (scavenger receptor cysteine rich family member with 5 domains; plus strand). Cytogenetic location: 19q13.42.
Variant type: single nucleotide variant.
Coding change: c.2954C>T on transcript NM_001144950.2 (MANE Select); coding-DNA position 2954, C replaced by T.
Protein change: p.Pro985Leu; replaces proline 985 with leucine.
Molecular consequence: missense variant.
Genome position (GRCh38, 1-based): chr19:55,517,230, C>T. VCF-style: chr19-55517230-C-T. GRCh37 (hg19) VCF-style: chr19-56028597-C-T.
Other names: short protein forms P985L.
Identifiers: ClinVar variation 2223515 (VCV002223515.3), dbSNP rs954002590, ClinGen allele CA310176851.